The following is an entry in ClinVar:

ClinVar aggregate classification (germline): Likely benign (1 of 4 stars; one submission).

Conditions:
Juvenile polyposis syndrome (JPS). Identifiers: Orphanet 2929, MedGen C0345893, MONDO:0017380, OMIM 174900.

gnomAD v4.1: 1 of 1,613,820 alleles (0.000062%); highest among the groups gnomAD compares: Non-Finnish European, 0.000085%; no homozygotes.

Submission:

Myriad Genetics, Inc.
Classification: Likely benign for Juvenile polyposis syndrome. Last evaluated: 2024-08-01. Review status: criteria provided, single submitter. Criteria: Myriad Autosomal Dominant, Autosomal Recessive and X-Linked Classification Criteria (2023). Collection method: clinical testing. Allele origin: unknown.
Comment: This variant is considered likely benign. This variant is intronic and is not expected to impact mRNA splicing.

NM_004329.3(BMPR1A):c.431-19T>C

Gene: BMPR1A (bone morphogenetic protein receptor type 1A; plus strand). Cytogenetic location: 10q23.2.
Variant type: single nucleotide variant.
Coding change: c.431-19T>C on transcript NM_004329.3 (MANE Select); 19 bases into the intron before coding-DNA position 431, T replaced by C.
Molecular consequence: intron variant.
Genome position (GRCh38, 1-based): chr10:86,900,008, T>C. VCF-style: chr10-86900008-T-C. GRCh37 (hg19) VCF-style: chr10-88659765-T-C.
Other names: c.431-19T>C (NM_001406562.1, NM_001406568.1, NM_001406567.1 and 22 more transcripts); c.347-19T>C (NM_001406584.1, NM_001406588.1, NM_001406587.1 and 2 more transcripts); c.333+7779T>C (NM_001406589.1).
Identifiers: ClinVar variation 3379334 (VCV003379334.1).